The following is an entry in ClinVar:

ClinVar aggregate classification (germline): Uncertain significance (1 of 4 stars; one submission).

Conditions:
Proteosome-associated autoinflammatory syndrome. Also called: Proteasome-associated autoinflammatory syndrome. Identifiers: Orphanet 324977, MedGen C1850568, MONDO:0009726.

Allele frequency attached by ClinVar (database versions not stated): TOPMed 0.00001.
gnomAD v4.1: 1 of 1,614,072 alleles (0.000062%); highest among the groups gnomAD compares: African/African-American, 0.0013%; no homozygotes.

Submission:

Labcorp Genetics (formerly Invitae), Labcorp
Classification: Uncertain significance for Proteosome-associated autoinflammatory syndrome. Last evaluated: 2024-07-17. Review status: criteria provided, single submitter. Criteria: Invitae Variant Classification Sherloc (09022015). Collection method: clinical testing. Allele origin: germline.
Comment: This sequence change replaces arginine, which is basic and polar, with leucine, which is neutral and non-polar, at codon 129 of the PSMB8 protein (p.Arg129Leu). The frequency data for this variant in the population databases is considered unreliable, as metrics indicate poor data quality at this position in the gnomAD database. This variant has not been reported in the literature in individuals affected with PSMB8-related conditions. ClinVar contains an entry for this variant (Variation ID: 533959). Advanced modeling of protein sequence and biophysical properties (such as structural, functional, and spatial information, amino acid conservation, physicochemical variation, residue mobility, and thermodynamic stability) has been performed at Invitae for this missense variant, however the output from this modeling did not meet the statistical confidence thresholds required to predict the impact of this variant on PSMB8 protein function. In summary, the available evidence is currently insufficient to determine the role of this variant in disease. Therefore, it has been classified as a Variant of Uncertain Significance.

NM_148919.4(PSMB8):c.386G>T (p.Arg129Leu)

Gene: PSMB8 (proteasome 20S subunit beta 8; minus strand). Cytogenetic location: 6p21.32.
Variant type: single nucleotide variant.
Coding change: c.386G>T on transcript NM_148919.4 (MANE Select); coding-DNA position 386, G replaced by T.
Protein change: p.Arg129Leu; replaces arginine 129 with leucine.
Molecular consequence: missense variant.
Genome position (GRCh38, 1-based): chr6:32,842,693, C>A on the plus strand (G>T on the coding strand, the complement: PSMB8 is on the minus strand). VCF-style: chr6-32842693-C-A. GRCh37 (hg19) VCF-style: chr6-32810470-C-A.
Other names: c.386G>T, p.Arg129Leu (LRG_1328t1); c.374G>T, p.Arg125Leu (LRG_1328t2, NM_004159.5); short protein forms R125L, R129L.
Identifiers: ClinVar variation 533959 (VCV000533959.9), dbSNP rs369078226, ClinGen allele CA363589099.
Genomic context (GRCh38, chr6:32,842,693, plus strand): 5'-CCACTAGGCTAAGAAAGGAAGATGAGAGGCCTCGCTTACCTGCATTCCTTGGCCAGCAGG[C>A]GCTCCCAGTACTGACAGTCTGCTGCACAGCCAGACATGGTGCCAAGCAGGTAAGGGTTAA-3'
Protein context (NP_683720.2, residues 119-139): GCAADCQYWE[Arg129Leu]LLAKECRLYY